The following is an entry in ClinVar:

ClinVar aggregate classification (germline): Benign. Review status: criteria provided, multiple submitters, no conflicts (2 of 4 stars). 5 submissions from 5 submitters: Benign (4). 1 of the submissions does not count toward it. Last evaluated 2026-01-24.

Conditions:
CPOX-related disorder. Also called: CPOX-related condition; CPOX-related disorders.
Hereditary coproporphyria (HCP). Also called: Hereditary coproporphyria porphyria; Porphyria hepatica coproporphyria; Porphyria hepatica II; CPRO deficiency; COPROPORPHYRINOGEN OXIDASE DEFICIENCY; CPO DEFICIENCY. Identifiers: Orphanet 79273, MedGen C0162531, MONDO:0007369, OMIM 121300.

Allele frequency attached by ClinVar (database versions not stated): gnomAD exomes 0.00057 and 0.00186; ESP Exome Variant Server 0.00300; ExAC 0.00307; 1000 Genomes Project 0.00539; 1000 Genomes Project 30x 0.00562; gnomAD 0.00595 and 0.00646; TOPMed 0.00686.
gnomAD v4.1: 1,755 of 1,525,210 alleles (0.12%); highest among the groups gnomAD compares: African/African-American, 2.1%; 14 homozygotes.

Submissions (5):

Labcorp Genetics (formerly Invitae), Labcorp
Classification: Benign. Last evaluated: 2026-01-24. Review status: criteria provided, single submitter. Criteria: Invitae Variant Classification Sherloc (09022015). Collection method: clinical testing. Allele origin: germline.

Mayo Clinic Laboratories, Mayo Clinic
Classification: Benign. Last evaluated: 2023-02-28. Review status: criteria provided, single submitter. Criteria: ACMG Guidelines, 2015. Collection method: clinical testing. Allele origin: germline. Observed: 5 variant alleles.
Comment: BA1, BP4, BP7

Illumina Laboratory Services, Illumina
Classification: Benign for Hereditary coproporphyria. Last evaluated: 2018-01-13. Review status: criteria provided, single submitter. Criteria: ICSL Variant Classification Criteria 13 December 2019. Collection method: clinical testing. Allele origin: germline.
Comment: This variant was observed in the ICSL laboratory as part of a predisposition screen in an ostensibly healthy population. It had not been previously curated by ICSL or reported in the Human Gene Mutation Database (HGMD: prior to June 1st, 2018), and was therefore a candidate for classification through an automated scoring system. Utilizing variant allele frequency, disease prevalence and penetrance estimates, and inheritance mode, an automated score was calculated to assess if this variant is too frequent to cause the disease. Based on the score and internal cut-off values, a variant classified as benign is not then subjected to further curation. The score for this variant resulted in a classification of benign for this disease.

Breakthrough Genomics
Classification: Benign. Review status: criteria provided, single submitter. Criteria: ACMG Guidelines, 2015. Collection method: not provided. Allele origin: germline. Inheritance: Autosomal recessive inheritance. Affected: yes.

PreventionGenetics, part of Exact Sciences
Classification: Benign for CPOX-related condition. Last evaluated: 2019-07-17. Review status: no assertion criteria provided. Collection method: clinical testing. Allele origin: germline. Not counted in ClinVar's aggregate classification.
Comment: This variant is classified as benign based on ACMG/AMP sequence variant interpretation guidelines (Richards et al. 2015 PMID: 25741868, with internal and published modifications).

NM_000097.7(CPOX):c.252G>A (p.Gly84=)

Genes: CPOX (coproporphyrinogen oxidase; minus strand), LOC129937121 (ATAC-STARR-seq lymphoblastoid silent region 14560; plus strand). Cytogenetic location: 3q11.2.
Variant type: single nucleotide variant.
Coding change: c.252G>A on transcript NM_000097.7 (MANE Select); coding-DNA position 252, G replaced by A.
Protein change: p.Gly84=; no amino-acid change (glycine 84 retained).
Molecular consequence: synonymous variant.
Genome position (GRCh38, 1-based): chr3:98,593,253, C>T on the plus strand (G>A on the coding strand, the complement: CPOX is on the minus strand). VCF-style: chr3-98593253-C-T. GRCh37 (hg19) VCF-style: chr3-98312097-C-T.
Other names: p.Gly84=; c.252G>A, p.Gly84= (LRG_1077t1).
Identifiers: ClinVar variation 346989 (VCV000346989.17), dbSNP rs376917019, ClinGen allele CA2511748.
Genomic context (GRCh38, chr3:98,593,253, plus strand): 5'-CTTAGGCAACATCTCCGCCCGCTGCACATGCCCGAAGGCGGCGGTGGCCAGCCCCACCAA[C>T]CCCGCCAGCGCCGCGGCCAGCCCTGTCCCCACCCAGGGGCCGCCTCTCGACGTCGAGCCG-3'
Protein context (NP_000088.3, residues 74-94): VGTGLAAALA[Gly84=]LVGLATAAFG